The following is an entry in ClinVar:

NM_001113491.2(SEPTIN9):c.619A>T (p.Thr207Ser)

Gene: SEPTIN9 (septin 9; plus strand). Cytogenetic location: 17q25.3.
Variant type: single nucleotide variant.
Coding change: c.619A>T on transcript NM_001113491.2 (MANE Select); coding-DNA position 619, A replaced by T.
Protein change: p.Thr207Ser; replaces threonine 207 with serine.
Molecular consequence: missense variant.
Genome position (GRCh38, 1-based): chr17:77,402,601, A>T. VCF-style: chr17-77402601-A-T. GRCh37 (hg19) VCF-style: chr17-75398683-A-T.
Other names: c.127A>T, p.Thr43Ser (NM_001113492.2, NM_001113494.1); c.598A>T, p.Thr200Ser (NM_001113493.2); c.562A>T, p.Thr188Ser (NM_001293695.2); c.565A>T, p.Thr189Ser (NM_006640.5); short protein forms T188S, T189S, T200S, T207S, T43S.
Identifiers: ClinVar variation 2445582 (VCV002445582.4), dbSNP rs779584313, ClinGen allele CA401206527.

ClinVar aggregate classification (germline): Uncertain significance (1 of 4 stars; one submission).

Submission:

Labcorp Genetics (formerly Invitae), Labcorp
Classification: Uncertain significance. Last evaluated: 2022-06-22. Review status: criteria provided, single submitter. Criteria: Invitae Variant Classification Sherloc (09022015). Collection method: clinical testing. Allele origin: germline.
Comment: In summary, the available evidence is currently insufficient to determine the role of this variant in disease. Therefore, it has been classified as a Variant of Uncertain Significance. Algorithms developed to predict the effect of missense changes on protein structure and function output the following: SIFT: "Tolerated"; PolyPhen-2: "Benign"; Align-GVGD: "Class C0". The serine amino acid residue is found in multiple mammalian species, which suggests that this missense change does not adversely affect protein function. This variant has not been reported in the literature in individuals affected with SEPT9-related conditions. This variant is not present in population databases (gnomAD no frequency). This sequence change replaces threonine, which is neutral and polar, with serine, which is neutral and polar, at codon 189 of the SEPT9 protein (p.Thr189Ser).